The following is an entry in ClinVar:

NM_001958.5(EEF1A2):c.673G>A (p.Gly225Ser)

Gene: EEF1A2 (eukaryotic translation elongation factor 1 alpha 2; minus strand). Cytogenetic location: 20q13.33.
Variant type: single nucleotide variant.
Coding change: c.673G>A on transcript NM_001958.5 (MANE Select); coding-DNA position 673, G replaced by A.
Protein change: p.Gly225Ser; replaces glycine 225 with serine.
Molecular consequence: missense variant.
Genome position (GRCh38, 1-based): chr20:63,493,236, C>T on the plus strand (G>A on the coding strand, the complement: EEF1A2 is on the minus strand). VCF-style: chr20-63493236-C-T. GRCh37 (hg19) VCF-style: chr20-62124589-C-T.
Other names: short protein forms G225S.
Identifiers: ClinVar variation 1314021 (VCV001314021.3), dbSNP rs2145943632, ClinGen allele CA409648793.

ClinVar aggregate classification (germline): Uncertain significance (1 of 4 stars; one submission).

Allele frequency attached by ClinVar (database versions not stated): gnomAD exomes below 0.00001.
gnomAD v4.1: 4 of 1,546,692 alleles (0.00026%); highest among the groups gnomAD compares: Non-Finnish European, 0.00035%; no homozygotes.

Submission:

GeneDx
Classification: Uncertain significance. Last evaluated: 2024-12-20. Review status: criteria provided, single submitter. Criteria: GeneDx Variant Classification Process June 2021. Collection method: clinical testing. Allele origin: germline. Affected: yes.
Comment: Has not been previously published as pathogenic or benign to our knowledge; In silico analysis supports that this missense variant has a deleterious effect on protein structure/function; Not observed at significant frequency in large population cohorts (gnomAD)